The following is an entry in ClinVar:

NM_001080449.3(DNA2):c.2977C>G (p.Leu993Val)

Gene: DNA2 (DNA replication helicase/nuclease 2; minus strand). Cytogenetic location: 10q21.3.
Variant type: single nucleotide variant.
Coding change: c.2977C>G on transcript NM_001080449.3 (MANE Select); coding-DNA position 2977, C replaced by G.
Protein change: p.Leu993Val; replaces leucine 993 with valine.
Molecular consequence: missense variant. On other transcripts: non-coding transcript variant (1).
Genome position (GRCh38, 1-based): chr10:68,416,846, G>C on the plus strand (C>G on the coding strand, the complement: DNA2 is on the minus strand). VCF-style: chr10-68416846-G-C. GRCh37 (hg19) VCF-style: chr10-70176603-G-C.
Other names: short protein forms L993V.
Identifiers: ClinVar variation 2119494 (VCV002119494.4), dbSNP rs2051595870, ClinGen allele CA376839637.

ClinVar aggregate classification (germline): Uncertain significance (1 of 4 stars; one submission).

Submission:

Labcorp Genetics (formerly Invitae), Labcorp
Classification: Uncertain significance. Last evaluated: 2022-03-29. Review status: criteria provided, single submitter. Criteria: Invitae Variant Classification Sherloc (09022015). Collection method: clinical testing. Allele origin: germline.
Comment: In summary, the available evidence is currently insufficient to determine the role of this variant in disease. Therefore, it has been classified as a Variant of Uncertain Significance. Algorithms developed to predict the effect of missense changes on protein structure and function are either unavailable or do not agree on the potential impact of this missense change (SIFT: "Deleterious"; PolyPhen-2: "Not Available"; Align-GVGD: "Class C0"). This variant has not been reported in the literature in individuals affected with DNA2-related conditions. This variant is not present in population databases (gnomAD no frequency). This sequence change replaces leucine, which is neutral and non-polar, with valine, which is neutral and non-polar, at codon 993 of the DNA2 protein (p.Leu993Val).